The following is an entry in ClinVar:

ClinVar aggregate classification (germline): Benign/Likely benign. Review status: criteria provided, multiple submitters, no conflicts (2 of 4 stars). 3 submissions from 3 submitters: Benign (2); Likely benign (1). Last evaluated 2024-09-01.

Allele frequency attached by ClinVar (database versions not stated): 1000 Genomes Project 0.00359; 1000 Genomes Project 30x 0.00406; gnomAD 0.00605 and 0.00621; TOPMed 0.00609; ESP Exome Variant Server 0.00863.
gnomAD v4.1: 12,781 of 1,613,694 alleles (0.79%); highest among the groups gnomAD compares: Middle Eastern, 2.4%; 105 homozygotes.

Submissions (3):

CeGaT Center for Human Genetics Tuebingen
Classification: Likely benign. Last evaluated: 2024-09-01. Review status: criteria provided, single submitter. Criteria: CeGaT Center For Human Genetics Tuebingen Variant Classification Criteria Version 2. Collection method: clinical testing. Allele origin: germline. Affected: yes. Observed: 1 variant allele.
Comment: PLEKHH1: BS2

Labcorp Genetics (formerly Invitae), Labcorp
Classification: Benign. Last evaluated: 2019-12-31. Review status: criteria provided, single submitter. Criteria: Invitae Variant Classification Sherloc (09022015). Collection method: clinical testing. Allele origin: germline.

Breakthrough Genomics
Classification: Benign. Review status: criteria provided, single submitter. Criteria: ACMG Guidelines, 2015. Collection method: not provided. Allele origin: germline. Inheritance: Unknown mechanism. Affected: yes.

NM_020715.3(PLEKHH1):c.4042C>T (p.Arg1348Ter)

Genes: GPHN (gephyrin; plus strand), PLEKHH1 (pleckstrin homology, MyTH4 and FERM domain containing H1; plus strand). Cytogenetic location: 14q24.1.
Variant type: single nucleotide variant.
Coding change: c.4042C>T on transcript NM_020715.3 (MANE Select); coding-DNA position 4042, C replaced by T.
Protein change: p.Arg1348Ter; replaces arginine 1348 with a stop codon.
Molecular consequence: nonsense.
Genome position (GRCh38, 1-based): chr14:67,587,182, C>T. VCF-style: chr14-67587182-C-T. GRCh37 (hg19) VCF-style: chr14-68053899-C-T.
Other names: short protein forms R1348*.
Identifiers: ClinVar variation 774936 (VCV000774936.18), dbSNP rs111462449, ClinGen allele CA7237465.